The following is an entry in ClinVar:

NM_201384.3(PLEC):c.4718G>A (p.Ser1573Asn)

Gene: PLEC (plectin; minus strand). Cytogenetic location: 8q24.3.
Variant type: single nucleotide variant.
Coding change: c.4718G>A on transcript NM_201384.3 (MANE Select); coding-DNA position 4718, G replaced by A.
Protein change: p.Ser1573Asn; replaces serine 1573 with asparagine.
Molecular consequence: missense variant.
Genome position (GRCh38, 1-based): chr8:143,925,211, C>T on the plus strand (G>A on the coding strand, the complement: PLEC is on the minus strand). VCF-style: chr8-143925211-C-T. GRCh37 (hg19) VCF-style: chr8-144999379-C-T.
Other names: c.4799G>A, p.Ser1600Asn (NM_000445.5); c.4676G>A, p.Ser1559Asn (NM_201378.4); c.4652G>A, p.Ser1551Asn (NM_201379.3); c.5129G>A, p.Ser1710Asn (NM_201380.4); c.4622G>A, p.Ser1541Asn (NM_201381.3); c.4718G>A, p.Ser1573Asn (NM_201382.4); c.4730G>A, p.Ser1577Asn (NM_201383.3); short protein forms S1559N, S1600N, S1541N, S1710N, S1573N, S1551N, S1577N.
Identifiers: ClinVar variation 960321 (VCV000960321.7), dbSNP rs1554701238, ClinGen allele CA372553721.

ClinVar aggregate classification (germline): Uncertain significance (1 of 4 stars; one submission).

Conditions:
Epidermolysis bullosa simplex 5B, with muscular dystrophy (EBS5B). Also called: Epidermolysis bullosa simplex with muscular dystrophy; EPIDERMOLYSIS BULLOSA SIMPLEX AND LIMB-GIRDLE MUSCULAR DYSTROPHY. Identifiers: Orphanet 257, MedGen C2931072, MONDO:0009181, OMIM 226670.
Epidermolysis bullosa simplex, Ogna type (EBS5A). Also called: Pidermolysis bullosa simplex 5A, Ogna type; EPIDERMOLYSIS BULLOSA SIMPLEX 5A, OGNA TYPE. Identifiers: Orphanet 79401, MedGen C0432317, MONDO:0007555, OMIM 131950.
Autosomal recessive limb-girdle muscular dystrophy type 2Q (LGMDR17). Also called: MUSCULAR DYSTROPHY, LIMB-GIRDLE, AUTOSOMAL RECESSIVE 17. Identifiers: Orphanet 254361, MedGen C3150989, MONDO:0013390, OMIM 613723.
Epidermolysis bullosa simplex with nail dystrophy (EBS5D). Identifiers: MedGen C4225309, MONDO:0014661, OMIM 616487.
Epidermolysis bullosa simplex 5C, with pyloric atresia (EBS5C). Also called: Epidermolysis bullosa simplex with pyloric atresia; PLEC-Related Epidermolysis Bullosa with Pyloric Atresia; PLEC1-Related Epidermolysis Bullosa with Pyloric Atresia. Identifiers: Orphanet 158684, MedGen C2677349, MONDO:0012807, OMIM 612138.

gnomAD v4.1: 12 of 1,588,016 alleles (0.00076%); highest among the groups gnomAD compares: South Asian, 0.012%; no homozygotes.

Submission:

Labcorp Genetics (formerly Invitae), Labcorp
Classification: Uncertain significance for Autosomal recessive limb-girdle muscular dystrophy type 2Q; Epidermolysis bullosa simplex, Ogna type; Epidermolysis bullosa simplex with nail dystrophy; Epidermolysis bullosa simplex 5C, with pyloric atresia; Epidermolysis bullosa simplex 5B, with muscular dystrophy. Last evaluated: 2024-02-17. Review status: criteria provided, single submitter. Criteria: Invitae Variant Classification Sherloc (09022015). Collection method: clinical testing. Allele origin: germline.
Comment: This sequence change replaces serine, which is neutral and polar, with asparagine, which is neutral and polar, at codon 1600 of the PLEC protein (p.Ser1600Asn). This variant is present in population databases (no rsID available, gnomAD 0.02%). This variant has not been reported in the literature in individuals affected with PLEC-related conditions. ClinVar contains an entry for this variant (Variation ID: 960321). Experimental studies and prediction algorithms are not available or were not evaluated, and the functional significance of this variant is currently unknown. In summary, the available evidence is currently insufficient to determine the role of this variant in disease. Therefore, it has been classified as a Variant of Uncertain Significance.